The following is an entry in ClinVar:

ClinVar aggregate classification (germline): Uncertain significance (1 of 4 stars; one submission).

Submission:

GeneDx
Classification: Uncertain significance. Last evaluated: 2019-08-05. Review status: criteria provided, single submitter. Criteria: GeneDx Variant Classification Process June 2021. Collection method: clinical testing. Allele origin: germline. Affected: yes.
Comment: Not observed In large population cohorts (Lek et al., 2016); In silico analysis, which includes protein predictors and evolutionary conservation, supports that this variant does not alter protein structure/function; Has not been previously published as pathogenic or benign to our knowledge

NM_003482.4(KMT2D):c.3053_3057delinsGAACA (p.Glu1018_Pro1019delinsGlyThr)

Gene: KMT2D (lysine methyltransferase 2D; minus strand). Cytogenetic location: 12q13.12.
Variant type: Indel.
Coding change: c.3053_3057delinsGAACA on transcript NM_003482.4 (MANE Select); coding-DNA positions 3053 to 3057, AGCCC replaced by GAACA.
Protein change: p.Glu1018_Pro1019delinsGlyThr.
Molecular consequence: missense variant.
Genome position (GRCh38, 1-based): chr12:49,050,531-49,050,535, GGGCT replaced by TGTTC on the plus strand (AGCCC replaced by GAACA on the coding strand, the reverse complement: KMT2D is on the minus strand). VCF-style: chr12-49050531-GGGCT-TGTTC. GRCh37 (hg19) VCF-style: chr12-49444314-GGGCT-TGTTC.
Identifiers: ClinVar variation 1307745 (VCV001307745.2), dbSNP rs2120652136, ClinGen allele CA2573053690.